The following is an entry in ClinVar:

NM_015335.5(MED13L):c.5192A>G (p.Tyr1731Cys)

Gene: MED13L (mediator complex subunit 13L; minus strand). Cytogenetic location: 12q24.21.
Variant type: single nucleotide variant.
Coding change: c.5192A>G on transcript NM_015335.5 (MANE Select); coding-DNA position 5192, A replaced by G.
Protein change: p.Tyr1731Cys; replaces tyrosine 1731 with cysteine.
Molecular consequence: missense variant.
Genome position (GRCh38, 1-based): chr12:115,980,922, T>C on the plus strand (A>G on the coding strand, the complement: MED13L is on the minus strand). VCF-style: chr12-115980922-T-C. GRCh37 (hg19) VCF-style: chr12-116418727-T-C.
Other names: short protein forms Y1731C.
Identifiers: ClinVar variation 2907952 (VCV002907952.3), dbSNP rs1427255705, ClinGen allele CA386880763.

ClinVar aggregate classification (germline): Uncertain significance (1 of 4 stars; one submission).

Conditions:
Dextro-looped transposition of the great arteries. Also called: Dextrotransposition of the great arteries. Identifiers: Orphanet 860, MedGen C3531771, MONDO:0019443, OMIM 608808, HP:0031348.

Allele frequency attached by ClinVar (database versions not stated): gnomAD exomes below 0.00001.
gnomAD v4.1: 1 of 1,611,570 alleles (0.000062%); highest among the groups gnomAD compares: Non-Finnish European, 0.000085%; no homozygotes.

Submission:

Labcorp Genetics (formerly Invitae), Labcorp
Classification: Uncertain significance for Dextro-looped transposition of the great arteries. Last evaluated: 2023-12-30. Review status: criteria provided, single submitter. Criteria: Invitae Variant Classification Sherloc (09022015). Collection method: clinical testing. Allele origin: germline.
Comment: This sequence change replaces tyrosine, which is neutral and polar, with cysteine, which is neutral and slightly polar, at codon 1731 of the MED13L protein (p.Tyr1731Cys). This variant is present in population databases (no rsID available, gnomAD 0.0009%). This variant has not been reported in the literature in individuals affected with MED13L-related conditions. Advanced modeling of protein sequence and biophysical properties (such as structural, functional, and spatial information, amino acid conservation, physicochemical variation, residue mobility, and thermodynamic stability) performed at Invitae indicates that this missense variant is expected to disrupt MED13L protein function with a positive predictive value of 80%. In summary, the available evidence is currently insufficient to determine the role of this variant in disease. Therefore, it has been classified as a Variant of Uncertain Significance.